The following is an entry in ClinVar:

ClinVar aggregate classification (germline): Uncertain significance (1 of 4 stars; one submission).

Conditions:
Spastic paraplegia. Identifiers: MedGen C0037772, HP:0001258.

Allele frequency attached by ClinVar (database versions not stated): gnomAD exomes 0.00003; ExAC 0.00007; gnomAD 0.00021; TOPMed 0.00023; ESP Exome Variant Server 0.00031.
gnomAD v4.1: 80 of 1,614,096 alleles (0.005%); highest among the groups gnomAD compares: African/African-American, 0.059%; 1 homozygote.

Submission:

Labcorp Genetics (formerly Invitae), Labcorp
Classification: Uncertain significance for Spastic paraplegia. Last evaluated: 2026-01-05. Review status: criteria provided, single submitter. Criteria: Invitae Variant Classification Sherloc (09022015). Collection method: clinical testing. Allele origin: germline.
Comment: This sequence change replaces arginine, which is basic and polar, with glutamine, which is neutral and polar, at codon 997 of the ZFYVE26 protein (p.Arg997Gln). This variant is present in population databases (rs144523611, gnomAD 0.04%), including at least one homozygous and/or hemizygous individual. This variant has not been reported in the literature in individuals affected with ZFYVE26-related conditions. ClinVar contains an entry for this variant (Variation ID: 2164139). An algorithm developed to predict the effect of missense changes on protein structure and function (PolyPhen-2) suggests that this variant is likely to be disruptive. In summary, the available evidence is currently insufficient to determine the role of this variant in disease. Therefore, it has been classified as a Variant of Uncertain Significance.

NM_015346.4(ZFYVE26):c.2990G>A (p.Arg997Gln)

Gene: ZFYVE26 (zinc finger FYVE-type containing 26; minus strand). Cytogenetic location: 14q24.1.
Variant type: single nucleotide variant.
Coding change: c.2990G>A on transcript NM_015346.4 (MANE Select); coding-DNA position 2990, G replaced by A.
Protein change: p.Arg997Gln; replaces arginine 997 with glutamine.
Molecular consequence: missense variant.
Genome position (GRCh38, 1-based): chr14:67,789,364, C>T on the plus strand (G>A on the coding strand, the complement: ZFYVE26 is on the minus strand). VCF-style: chr14-67789364-C-T. GRCh37 (hg19) VCF-style: chr14-68256081-C-T.
Other names: short protein forms R997Q.
Identifiers: ClinVar variation 2164139 (VCV002164139.2), dbSNP rs144523611, ClinGen allele CA7240137.